The following is an entry in ClinVar:

ClinVar aggregate classification (germline): Likely benign (1 of 4 stars; one submission).

Conditions:
NTRK2-related disorder. Also called: NTRK2-related condition.

Submission:

PreventionGenetics, part of Exact Sciences
Classification: Likely benign for NTRK2-related condition. Last evaluated: 2024-11-13. Review status: criteria provided, single submitter. Criteria: ACMG Guidelines, 2015. Collection method: clinical testing. Allele origin: germline.
Comment: This variant is classified as likely benign based on ACMG/AMP sequence variant interpretation guidelines (Richards et al. 2015 PMID: 25741868, with internal and published modifications).

NM_006180.6(NTRK2):c.597A>G (p.Ala199=)

Gene: NTRK2 (neurotrophic receptor tyrosine kinase 2; plus strand). Cytogenetic location: 9q21.33.
Variant type: single nucleotide variant.
Coding change: c.597A>G on transcript NM_006180.6 (MANE Select); coding-DNA position 597, A replaced by G.
Protein change: p.Ala199=; no amino-acid change (alanine 199 retained).
Molecular consequence: synonymous variant.
Genome position (GRCh38, 1-based): chr9:84,723,586, A>G. VCF-style: chr9-84723586-A-G. GRCh37 (hg19) VCF-style: chr9-87338501-A-G.
Other names: c.597A>G, p.Ala199= (NM_001007097.3, NM_001018064.3, NM_001018065.2 and 18 more transcripts); c.129A>G, p.Ala43= (NM_001369535.1, NM_001369536.1, NM_001369550.1 and 2 more transcripts).
Identifiers: ClinVar variation 4998485 (VCV004998485.1).